The following is an entry in ClinVar:

NM_020631.6(PLEKHG5):c.1933+18C>T

Gene: PLEKHG5 (pleckstrin homology and RhoGEF domain containing G5; minus strand). Cytogenetic location: 1p36.31.
Variant type: single nucleotide variant.
Coding change: c.1933+18C>T on transcript NM_020631.6 (MANE Select); 18 bases into the intron after coding-DNA position 1933, C replaced by T.
Molecular consequence: intron variant.
Genome position (GRCh38, 1-based): chr1:6,469,526, G>A on the plus strand (C>T on the coding strand, the complement: PLEKHG5 is on the minus strand). VCF-style: chr1-6469526-G-A. GRCh37 (hg19) VCF-style: chr1-6529586-G-A.
Other names: c.1933+18C>T (NM_198681.4, NM_001265594.3, NM_001042664.2 and 1 more transcripts); c.2044+18C>T (NM_001042663.3, NM_001265592.2); c.2140+18C>T (NM_001265593.2).
Identifiers: ClinVar variation 388922 (VCV000388922.4), dbSNP rs369940156, ClinGen allele CA561311.

ClinVar aggregate classification (germline): Likely benign. Review status: criteria provided, multiple submitters, no conflicts (2 of 4 stars). 2 submissions from 2 submitters: Likely benign (2). Last evaluated 2024-10-15.

Conditions:
Neuronopathy, distal hereditary motor, autosomal recessive 4. Also called: Autosomal recessive lower motor neuron disease with childhood onset; NEUROPATHY, DISTAL HEREDITARY MOTOR, AUTOSOMAL RECESSIVE 4. Identifiers: Orphanet 206580, MedGen C1970211, MONDO:0012608, OMIM 611067.
Charcot-Marie-Tooth disease recessive intermediate C. Also called: CHARCOT-MARIE-TOOTH NEUROPATHY, RECESSIVE INTERMEDIATE C. Identifiers: Orphanet 369867, MedGen C3809309, MONDO:0014154, OMIM 615376.

Allele frequency attached by ClinVar (database versions not stated): gnomAD exomes below 0.00001 and 0.00002; ExAC 0.00001; gnomAD 0.00001; TOPMed 0.00001; ESP Exome Variant Server 0.00008.
gnomAD v4.1: 44 of 1,613,728 alleles (0.0027%); highest among the groups gnomAD compares: Non-Finnish European, 0.0031%; no homozygotes.

Submissions (2):

Labcorp Genetics (formerly Invitae), Labcorp
Classification: Likely benign for Neuronopathy, distal hereditary motor, autosomal recessive 4; Charcot-Marie-Tooth disease recessive intermediate C. Last evaluated: 2024-10-15. Review status: criteria provided, single submitter. Criteria: Invitae Variant Classification Sherloc (09022015). Collection method: clinical testing. Allele origin: germline.

GeneDx
Classification: Likely benign. Last evaluated: 2016-08-31. Review status: criteria provided, single submitter. Criteria: GeneDx Variant Classification (06012015). Collection method: clinical testing. Allele origin: germline. Affected: yes.
Comment: This variant is considered likely benign or benign based on one or more of the following criteria: it is a conservative change, it occurs at a poorly conserved position in the protein, it is predicted to be benign by multiple in silico algorithms, and/or has population frequency not consistent with disease.